The following is an entry in ClinVar:

ClinVar aggregate classification (germline): Uncertain significance (1 of 4 stars; one submission).

gnomAD v4.1: 2 of 1,613,818 alleles (0.00012%); highest among the groups gnomAD compares: Non-Finnish European, 0.00017%; no homozygotes.

Submission:

Mayo Clinic Laboratories, Mayo Clinic
Classification: Uncertain significance. Last evaluated: 2025-03-11. Review status: criteria provided, single submitter. Criteria: ACMG Guidelines, 2015. Collection method: clinical testing. Allele origin: germline. Observed: 1 variant allele.
Comment: PP3_moderate, PM2_supporting

NM_183235.3(RAB27A):c.487A>G (p.Ser163Gly)

Gene: RAB27A (RAB27A, member RAS oncogene family; minus strand). Cytogenetic location: 15q21.3.
Variant type: single nucleotide variant.
Coding change: c.487A>G on transcript NM_183235.3 (MANE Select); coding-DNA position 487, A replaced by G.
Protein change: p.Ser163Gly; replaces serine 163 with glycine.
Molecular consequence: missense variant.
Genome position (GRCh38, 1-based): chr15:55,205,686, T>C on the plus strand (A>G on the coding strand, the complement: RAB27A is on the minus strand). VCF-style: chr15-55205686-T-C. GRCh37 (hg19) VCF-style: chr15-55497884-T-C.
Other names: p.Ser163Gly; c.487A>G, p.Ser163Gly (NM_001438972.1, NM_001438973.1, NM_001438974.1 and 11 more transcripts); short protein forms S163G.
Identifiers: ClinVar variation 4541952 (VCV004541952.1).